The following is an entry in ClinVar:

ClinVar aggregate classification (germline): Likely benign. Review status: criteria provided, multiple submitters, no conflicts (2 of 4 stars). 2 submissions from 2 submitters: Likely benign (2). Last evaluated 2025-11-24.

Conditions:
Immunodeficiency 14 (IMD14A). Also called: IMMUNODEFICIENCY 14A WITH LYMPHOPROLIFERATION, AUTOSOMAL DOMINANT; p110-DELTA-ACTIVATING MUTATION CAUSING SENESCENT T CELLS, LYMPHADENOPATHY, AND IMMUNODEFICIENCY; ACTIVATED PI3K-DELTA SYNDROME 1; Activated PI3K Delta Syndrome Type 1 (APDS1). Identifiers: Orphanet 397596, Orphanet 693661, MedGen C5907821, MONDO:0014222, OMIM 615513.

Allele frequency attached by ClinVar (database versions not stated): gnomAD 0.00001; gnomAD exomes 0.00001 and 0.00002; ExAC 0.00002; TOPMed 0.00002.
gnomAD v4.1: 16 of 1,613,142 alleles (0.00099%); highest among the groups gnomAD compares: East Asian, 0.011%; no homozygotes.

Submissions (2):

Labcorp Genetics (formerly Invitae), Labcorp
Classification: Likely benign for Activated PI3K-delta syndrome. Last evaluated: 2025-11-24. Review status: criteria provided, single submitter. Criteria: Invitae Variant Classification Sherloc (09022015). Collection method: clinical testing. Allele origin: germline.

Mayo Clinic Laboratories, Mayo Clinic
Classification: Likely benign. Last evaluated: 2025-10-06. Review status: criteria provided, single submitter. Criteria: ACMG Guidelines, 2015. Collection method: clinical testing. Allele origin: germline. Observed: 1 variant allele.
Comment: BP4, BP7

NM_005026.5(PIK3CD):c.1209G>A (p.Lys403=)

Genes: PIK3CD (phosphatidylinositol-4,5-bisphosphate 3-kinase catalytic subunit delta; plus strand), LOC126805612 (MED14-independent group 3 enhancer GRCh37_chr1:9778914-9780113; plus strand). Cytogenetic location: 1p36.22.
Variant type: single nucleotide variant.
Coding change: c.1209G>A on transcript NM_005026.5 (MANE Select); coding-DNA position 1209, G replaced by A.
Protein change: p.Lys403=; no amino-acid change (lysine 403 retained).
Molecular consequence: synonymous variant.
Genome position (GRCh38, 1-based): chr1:9,718,882, G>A. VCF-style: chr1-9718882-G-A. GRCh37 (hg19) VCF-style: chr1-9778940-G-A.
Other names: p.Lys403=; c.1209G>A, p.Lys403= (NM_001350234.2); c.1122G>A, p.Lys374= (NM_001350235.1).
Identifiers: ClinVar variation 1143331 (VCV001143331.10), dbSNP rs753363954, ClinGen allele CA577112.